The following is an entry in ClinVar:

NM_021072.4(HCN1):c.670G>T (p.Val224Phe)

Gene: HCN1 (hyperpolarization activated cyclic nucleotide gated potassium channel 1; minus strand). Cytogenetic location: 5p12.
Variant type: single nucleotide variant.
Coding change: c.670G>T on transcript NM_021072.4 (MANE Select); coding-DNA position 670, G replaced by T.
Protein change: p.Val224Phe; replaces valine 224 with phenylalanine.
Molecular consequence: missense variant.
Genome position (GRCh38, 1-based): chr5:45,645,364, C>A on the plus strand (G>T on the coding strand, the complement: HCN1 is on the minus strand). VCF-style: chr5-45645364-C-A. GRCh37 (hg19) VCF-style: chr5-45645466-C-A.
Other names: short protein forms V224F.
Identifiers: ClinVar variation 2763200 (VCV002763200.3), dbSNP rs2478543439, ClinGen allele CA359707379.

ClinVar aggregate classification (germline): Uncertain significance (1 of 4 stars; one submission).

Conditions:
Early-infantile DEE. Also called: Ohtahara syndrome; Early infantile epileptic encephalopathy; Early infantile epileptic encephalopathy with suppression bursts. Identifiers: Orphanet 1934, MedGen C0393706, MONDO:0800491.

Submission:

Labcorp Genetics (formerly Invitae), Labcorp
Classification: Uncertain significance for Early-infantile DEE. Last evaluated: 2025-08-20. Review status: criteria provided, single submitter. Criteria: Invitae Variant Classification Sherloc (09022015). Collection method: clinical testing. Allele origin: germline.
Comment: This sequence change replaces valine, which is neutral and non-polar, with phenylalanine, which is neutral and non-polar, at codon 224 of the HCN1 protein (p.Val224Phe). This variant is not present in population databases (gnomAD no frequency). This variant has not been reported in the literature in individuals affected with HCN1-related conditions. ClinVar contains an entry for this variant (Variation ID: 2763200). Invitae Evidence Modeling of protein sequence and biophysical properties (such as structural, functional, and spatial information, amino acid conservation, physicochemical variation, residue mobility, and thermodynamic stability) has been performed for this missense variant. However, the output from this modeling did not meet the statistical confidence thresholds required to predict the impact of this variant on HCN1 protein function. In summary, the available evidence is currently insufficient to determine the role of this variant in disease. Therefore, it has been classified as a Variant of Uncertain Significance.